The following is an entry in ClinVar:

ClinVar aggregate classification (germline): Likely pathogenic (1 of 4 stars; one submission).

Conditions:
Lessel-Kreienkamp syndrome. Identifiers: MedGen C5436892, MONDO:0030897, OMIM 619149.

Submission:

Institute of Human Genetics, University of Leipzig Medical Center
Classification: Likely pathogenic for Lessel-Kreienkamp syndrome. Last evaluated: 2026-06-30. Review status: criteria provided, single submitter. Criteria: ACMG Guidelines, 2015. Collection method: clinical testing. Allele origin: maternal. Inheritance: Autosomal dominant inheritance. Affected: yes.
Comment: Criteria applied: PM1,PM2,PM5_SUP,PP2

NM_012154.5(AGO2):c.1080G>C (p.Gln360His)

Gene: AGO2 (argonaute RISC catalytic component 2; minus strand). Cytogenetic location: 8q24.3.
Variant type: single nucleotide variant.
Coding change: c.1080G>C on transcript NM_012154.5 (MANE Select); coding-DNA position 1080, G replaced by C.
Protein change: p.Gln360His; replaces glutamine 360 with histidine.
Molecular consequence: missense variant.
Genome position (GRCh38, 1-based): chr8:140,556,233, C>G on the plus strand (G>C on the coding strand, the complement: AGO2 is on the minus strand). VCF-style: chr8-140556233-C-G. GRCh37 (hg19) VCF-style: chr8-141566332-C-G.
Other names: c.1080G>C, p.Gln360His (NM_001164623.3); short protein forms Q360H.
Identifiers: ClinVar variation 4879427 (VCV004879427.2).